The following is an entry in ClinVar:

NM_000545.8(HNF1A):c.1135C>A (p.Pro379Thr)

Gene: HNF1A (HNF1 homeobox A; plus strand). Cytogenetic location: 12q24.31.
Variant type: single nucleotide variant.
Coding change: c.1135C>A on transcript NM_000545.8 (MANE Select); coding-DNA position 1135, C replaced by A.
Protein change: p.Pro379Thr; replaces proline 379 with threonine.
Molecular consequence: missense variant.
Genome position (GRCh38, 1-based): chr12:120,996,568, C>A. VCF-style: chr12-120996568-C-A. GRCh37 (hg19) VCF-style: chr12-121434371-C-A.
Other names: NM_000545.8(HNF1A):c.1135C>A; p.Pro379Thr; c.1135C>A, p.Pro379Thr (NM_001306179.2); short protein forms P379T.
Identifiers: ClinVar variation 972818 (VCV000972818.22), dbSNP rs754729248, ClinGen allele CA6831957.

ClinVar aggregate classification (germline): Uncertain significance. Review status: reviewed by expert panel (3 of 4 stars). 9 submissions from 9 submitters: Uncertain significance (1). 8 of the submissions do not count toward it. Last evaluated 2023-08-14.

Conditions:
Monogenic diabetes. Identifiers: Orphanet 183625, MedGen C3888631, MONDO:0015967.
Maturity-onset diabetes of the young (MODY). Also called: Maturity onset diabetes mellitus in young. Identifiers: Orphanet 552, MedGen C0342276, MONDO:0018911, HP:0004904.
Maturity-onset diabetes of the young type 3. Also called: MODY type 3; MODY, type III. Identifiers: Orphanet 552, MedGen C1838100, MeSH C563933, MONDO:0010894, OMIM 600496. Disease mechanism: loss of function.
Type 1 diabetes mellitus 20 (T1D20). Also called: Diabetes mellitus, insulin-dependent, 20. Identifiers: MedGen C2675866, MONDO:0012919, OMIM 612520.
HNF1A-related disorder. Also called: HNF1A-related condition.

Allele frequency attached by ClinVar (database versions not stated): TOPMed 0.00002.
gnomAD v4.1: 31 of 1,613,810 alleles (0.0019%); highest among the groups gnomAD compares: Admixed American, 0.022%; no homozygotes.

Submissions (9):

ClinGen Monogenic Diabetes Variant Curation Expert Panel
Classification: Uncertain significance for Monogenic diabetes. Last evaluated: 2023-08-14. Review status: reviewed by expert panel. Criteria: ClinGen Diabetes ACMG Specifications HNF1A V2.1.0. Collection method: curation. Allele origin: germline. Inheritance: Autosomal dominant inheritance.
Comment: The c.1136C>A variant in the HNF1 homeobox A gene, HNF1A, causes an amino acid change of proline to threonine at codon 379 (p.(Pro379Thr)) of NM_000545.6. This variant has a Popmax Filtering allele frequency in gnomAD 2.1.1 of 0.00003898, which is greater than the MDEP threshold for BS1 (greater than or equal to 0.000033) (BS1). This variant was identified in 13 unrelated individuals with non-autoimmune and non-absolute/near-absolute insulin-deficient diabetes; however, PS4 cannot be applied because the variant MAF in gnomAD is above the ClinGen MDEP PM2_Supporting cutoff (PMIDs 21170474, 15657605, internal lab contributors). This variant is predicted to be deleterious by computational evidence, with a REVEL score of 0.967, which is greater than the MDEP threshold of 0.70 (PP3). This variant was identified in an individual with a MODY probability calculator result >50% and negative genetic testing for HNF4A (PP4; internal lab contributor). This variant segregated with diabetes, with at least 4 informative meioses in 3 families (PP1_Strong; internal lab contributors). Another missense variant, c.1136C>G p.Pro379Arg, has been classified as pathogenic by the ClinGen MDEP but has a greater Grantham distance than p.Pro379Thr (PM5_Supporting). In summary, this variant meets the criteria to be classified as a variant of uncertain significance for monogenic diabetes. ACMG/AMP criteria applied, as specified by the ClinGen MDEP (specification version 2.1.0, approved 8/11/2023): BS1, PP3, PP4, PP1_Strong, PM5_Supporting.

GeneDx
Classification: Uncertain significance. Last evaluated: 2026-05-14. Review status: criteria provided, single submitter. Criteria: GeneDx Variant Classification Process June 2021. Collection method: clinical testing. Allele origin: germline. Not counted in ClinVar's aggregate classification.
Comment: In silico analysis supports that this missense variant has a deleterious effect on protein structure/function; This variant is associated with the following publications: (PMID: 32910913, 18003757, 28170077, 23348805, 36208343, 34108472, 28012402, 21683639, 16917892, 15883474, 15657605, 36208030, 26479152, 30293189, 36723869, 35472491, 25935773, 23803251, 22808921, 37523181, 21224407)

Labcorp Genetics (formerly Invitae), Labcorp
Classification: Pathogenic. Last evaluated: 2025-08-10. Review status: criteria provided, single submitter. Criteria: Invitae Variant Classification Sherloc (09022015). Collection method: clinical testing. Allele origin: germline. Not counted in ClinVar's aggregate classification.
Comment: This sequence change replaces proline, which is neutral and non-polar, with threonine, which is neutral and polar, at codon 379 of the HNF1A protein (p.Pro379Thr). This variant is present in population databases (rs754729248, gnomAD 0.01%). This missense change has been observed in individuals with maturity-onset diabetes of the young (PMID: 18003757, 21683639, 22808921, 23348805, 23803251, 25935773, 26479152, 28012402, 28170077, 30293189). It has also been observed to segregate with disease in related individuals. ClinVar contains an entry for this variant (Variation ID: 972818). Invitae Evidence Modeling of protein sequence and biophysical properties (such as structural, functional, and spatial information, amino acid conservation, physicochemical variation, residue mobility, and thermodynamic stability) indicates that this missense variant is not expected to disrupt HNF1A protein function with a negative predictive value of 80%. For these reasons, this variant has been classified as Pathogenic.

Athena Diagnostics
Classification: Likely pathogenic. Last evaluated: 2023-03-22. Review status: criteria provided, single submitter. Criteria: Athena Diagnostics Criteria. Collection method: clinical testing. Allele origin: unknown. Not counted in ClinVar's aggregate classification.
Comment: The frequency of this variant in the general population is consistent with pathogenicity. This variant has been identified in at least one individual with clinical features associated with this gene and appears to segregate with disease in multiple families (personal communication from ClinGen Monogenic Diabetes Expert Panel). At least one other missense variant at this codon is considered to be pathogenic or likely pathogenic, suggesting this variant may also cause disease. Computational tools predict that this variant is damaging.

3billion
Classification: Uncertain significance for Maturity-onset diabetes of the young type 3. Last evaluated: 2022-03-22. Review status: criteria provided, single submitter. Criteria: ACMG Guidelines, 2015. Collection method: clinical testing. Allele origin: germline. Affected: yes. Observed: 1 heterozygote. Not counted in ClinVar's aggregate classification.
Comment: Different pathogenic/likely pathogenic amino acid change has been reported with supporting evidence at the same codon (PMID:18003757,18003757,15883474,15657605). In silico tool predictions suggest damaging effect of the variant on gene or gene product (REVEL: 0.967>=0.6). A missense variant is a common mechanism . Therefore, this variant is classified as uncertain significance according to the recommendation of ACMG/AMP guideline.

Laboratory for Molecular Medicine, Mass General Brigham Personalized Medicine
Classification: Likely pathogenic for Maturity-onset diabetes of the young. Last evaluated: 2020-11-06. Review status: criteria provided, single submitter. Criteria: ACMG Guidelines, 2015. Collection method: clinical testing. Allele origin: germline. Not counted in ClinVar's aggregate classification.
Comment: The p.Pro379Thr variant in HNF1A has been reported in at least 10 individuals with maturity-onset diabetes of the young (MODY) and segregated with disease in at least 6 affected relatives from 3 families (Wang 2019 PMID: 30293189, Kyithar 2011 21683639, Bacon 2016 26479152, Giuffrida 2017 28012402, Santana 2017 PMID: 28170077, Bellanné-Chantelot 2008 PMID: 18003757). It has been identified in 0.011% (4/35382) of Latino chromosomes and 0.002% (3/128426) European chromosomes by gnomAD. Computational prediction tools and conservation analyses suggest that this variant may impact the protein, though this information is not predictive enough to determine pathogenicity. The p.Pro379 codon is one of the most frequently mutated sites in the HNF1A gene (Ellard and Colclough 2013 PMID: 23348805). In summary, although additional studies are required to fully establish its clinical significance, this variant meets criteria to be classified as likely pathogenic for autosomal dominant MODY. ACMG/AMP Criteria applied: PP1_Moderate, PM1, PP3, PS4_Moderate.

Broad Center for Mendelian Genomics, Broad Institute of MIT and Harvard
Classification: Pathogenic for Maturity-onset diabetes of the young type 3. Last evaluated: 2020-01-22. Review status: criteria provided, single submitter. Criteria: ACMG Guidelines, 2015. Collection method: curation. Allele origin: germline. Inheritance: Autosomal dominant inheritance. Not counted in ClinVar's aggregate classification.
Comment: The p.Pro379Thr variant in HNF1A has been reported in 10 individuals with maturity-onset diabetes of the young, segregated with disease in 9 affected relatives from 3 families (PMID: 30293189, 21683639, 26479152, 28012402), and has been identified in 0.011% (4/35382) of Latino chromosomes and 0.002% (3/128426) European (non-Finnish) chromosomes by the Genome Aggregation Database (gnomAD; dbSNP rs754729248). Please note that for diseases with clinical variability, or reduced penetrance, pathogenic variants may be present at a low frequency in the general population. The number of reported affected individuals with this variant is slightly greater than expected compared to non-affected individuals with this variant. Computational prediction tools and conservation analyses suggest that this variant may impact the protein, though this information is not predictive enough to determine pathogenicity. Multiple variants in the same region as p.Pro379Thr have been reported in association with disease in the literature (PMID: 23348805, 16917892). Two additional likely pathogenic variants, resulting in a different amino acid change at the same position, p.Pro379Arg and p.Pro379His, have been reported in association with disease in the literature, supporting that a change at this position may not be tolerated (PMID: 23348805, 16917892, 29666556, 15657605, 23348805, 16917892, 15883474). In summary, this variant meets criteria to be classified as pathogenic for maturity-onset diabetes of the young in an autosomal dominant manner based on segregation with disease, location in a mutation hotspot, and two likely pathogenic variants that affect the same amino acid. ACMG/AMP Criteria applied: PP1_Strong, PM1, PM5, PP3, PS4_Supporting (Richards 2015).

Baylor Genetics
Classification: Uncertain significance for Type 1 diabetes mellitus 20. Last evaluated: 2020-01-07. Review status: criteria provided, single submitter. Criteria: ACMG Guidelines, 2015. Collection method: clinical testing. Allele origin: unknown. Affected: yes. Study: CSER-TexasKidsCanSeq. Not counted in ClinVar's aggregate classification.
Comment: This variant was determined to be of uncertain significance according to ACMG Guidelines, 2015 [PMID:25741868].

PreventionGenetics, part of Exact Sciences
Classification: Pathogenic for HNF1A-related condition. Last evaluated: 2024-03-12. Review status: no assertion criteria provided. Collection method: clinical testing. Allele origin: germline. Not counted in ClinVar's aggregate classification.
Comment: The HNF1A c.1135C>A variant is predicted to result in the amino acid substitution p.Pro379Thr. This variant has been reported to be causative for maturity onset diabetes of the young (MODY) (Bellanne-Chantelot et al. 2008. PubMed ID: 18003757; Wang et al. 2018. PubMed ID: 30293189; Goodrich et al. 2021. PubMed ID: 34108472. Supp Data 5). Of note, Goodrich et al. showed that this variant may have reduced penetrance. In addition, different missense substitutions at the same codon (p.Pro379Ala, p.Pro379Ser, Pro379His, Pro379Arg) have also been reported to be pathogenic for MODY (Dominguez-Lopez et al. 2005. PubMed ID: 15883474; Xu et al. 2005. PubMed ID: 15657605; Bellanne-Chantelot et al. 2008. PubMed ID: 18003757; Ekholm et al. 2013. PubMed ID: 23607861). Therefore, we classify the c.1135C>A (p.Pro379Thr) variant in this patient as pathogenic.

Literature cited by the submitters: PubMed 18003757 (cited by 4 submitters); PubMed 21683639 (cited by 4 submitters); PubMed 22808921 (cited by Labcorp Genetics (formerly Invitae), Labcorp and Athena Diagnostics); PubMed 23348805 (cited by Labcorp Genetics (formerly Invitae), Labcorp and Broad Center for Mendelian Genomics, Broad Institute of MIT and Harvard); PubMed 23803251 (cited by Labcorp Genetics (formerly Invitae), Labcorp and Athena Diagnostics); PubMed 25935773 (cited by Labcorp Genetics (formerly Invitae), Labcorp and Athena Diagnostics); PubMed 26479152 (cited by 4 submitters); PubMed 28012402 (cited by 4 submitters); PubMed 28170077 (cited by 3 submitters); PubMed 30293189 (cited by 4 submitters); PubMed 32910913 (cited by Athena Diagnostics); PubMed 36208030 (cited by Athena Diagnostics); PubMed 35673428 (cited by Athena Diagnostics); PubMed 24069322 (cited by Athena Diagnostics); PubMed 26110317 (cited by Athena Diagnostics); PubMed 32238361 (cited by Athena Diagnostics); PubMed 23674172 (cited by Athena Diagnostics); PubMed 28410371 (cited by Athena Diagnostics); PubMed 15883474 (cited by 3billion); PubMed 15657605 (cited by 3billion); PubMed 16917892 (cited by Broad Center for Mendelian Genomics, Broad Institute of MIT and Harvard).